The following is an entry in ClinVar:

NM_145290.4(ADGRA3):c.458C>G (p.Thr153Ser)

Gene: ADGRA3 (adhesion G protein-coupled receptor A3; minus strand). Cytogenetic location: 4p15.2.
Variant type: single nucleotide variant.
Coding change: c.458C>G on transcript NM_145290.4 (MANE Select); coding-DNA position 458, C replaced by G.
Protein change: p.Thr153Ser; replaces threonine 153 with serine.
Molecular consequence: missense variant.
Genome position (GRCh38, 1-based): chr4:22,454,881, G>C on the plus strand (C>G on the coding strand, the complement: ADGRA3 is on the minus strand). VCF-style: chr4-22454881-G-C. GRCh37 (hg19) VCF-style: chr4-22456504-G-C.
Other names: short protein forms T153S.
Identifiers: ClinVar variation 4728551 (VCV004728551.1).

ClinVar aggregate classification (germline): Uncertain significance (1 of 4 stars; one submission).

Submission:

Labcorp Genetics (formerly Invitae), Labcorp
Classification: Uncertain significance. Last evaluated: 2025-10-06. Review status: criteria provided, single submitter. Criteria: Invitae Variant Classification Sherloc (09022015). Collection method: clinical testing. Allele origin: germline.
Comment: This sequence change replaces threonine, which is neutral and polar, with serine, which is neutral and polar, at codon 153 of the ADGRA3 protein (p.Thr153Ser). This variant is not present in population databases (gnomAD no frequency). This variant has not been reported in the literature in individuals affected with ADGRA3-related conditions. An algorithm developed to predict the effect of missense changes on protein structure and function (PolyPhen-2) suggests that this variant is likely to be tolerated. In summary, the available evidence is currently insufficient to determine the role of this variant in disease. Therefore, it has been classified as a Variant of Uncertain Significance.